The following is an entry in ClinVar:

ClinVar aggregate classification (germline): Likely pathogenic (1 of 4 stars; one submission).

Conditions:
Hearing impairment. Also called: Impaired Hearing. Identifiers: MedGen C1384666, MONDO:0005365, HP:0000365.

Submission:

Department of Otolaryngology – Head & Neck Surgery, Cochlear Implant Center
Classification: Likely pathogenic for Hearing impairment. Last evaluated: 2021-04-12. Review status: criteria provided, single submitter. Criteria: ClinGen HL ACMG Specifications v1. Collection method: clinical testing. Allele origin: germline. Affected: yes.
Comment: PVS1_Strong, PM2_Moderate

NM_004999.4(MYO6):c.2397C>A (p.Cys799Ter)

Gene: MYO6 (myosin VI; plus strand). Cytogenetic location: 6q14.1.
Variant type: single nucleotide variant.
Coding change: c.2397C>A on transcript NM_004999.4 (MANE Select); coding-DNA position 2397, C replaced by A.
Protein change: p.Cys799Ter; replaces cysteine 799 with a stop codon.
Molecular consequence: nonsense. On other transcripts: non-coding transcript variant (1).
Genome position (GRCh38, 1-based): chr6:75,881,799, C>A. VCF-style: chr6-75881799-C-A. GRCh37 (hg19) VCF-style: chr6-76591516-C-A.
Other names: c.2397C>A, p.Cys799Ter (NM_001300899.2, NM_001368136.1, NM_001368137.1 and 2 more transcripts); c.2382C>A, p.Cys794Ter (NM_001368138.1); short protein forms C794*, C799*.
Identifiers: ClinVar variation 1064987 (VCV001064987.3), dbSNP rs2149347766, ClinGen allele CA364774518.